The following is an entry in ClinVar:

NM_001281740.3(FHOD3):c.4010C>T (p.Ser1337Leu)

Gene: FHOD3 (formin homology 2 domain containing 3; plus strand). Cytogenetic location: 18q12.2.
Variant type: single nucleotide variant.
Coding change: c.4010C>T on transcript NM_001281740.3 (MANE Select); coding-DNA position 4010, C replaced by T.
Protein change: p.Ser1337Leu; replaces serine 1337 with leucine.
Molecular consequence: missense variant.
Genome position (GRCh38, 1-based): chr18:36,744,162, C>T. VCF-style: chr18-36744162-C-T. GRCh37 (hg19) VCF-style: chr18-34324125-C-T.
Other names: c.4010C>T (NM_001281740.2); c.3434C>T, p.Ser1145Leu (NM_001281739.3); c.3485C>T, p.Ser1162Leu (NM_025135.5); short protein forms S1337L, S1145L, S1162L.
Identifiers: ClinVar variation 3515301 (VCV003515301.2).

ClinVar aggregate classification (germline): Uncertain significance. Review status: criteria provided, multiple submitters, no conflicts (2 of 4 stars). 2 submissions from 2 submitters: Uncertain significance (2). Last evaluated 2026-06-02.

Conditions:
FHOD3-related disorder. Also called: FHOD3-related condition.
Inborn genetic diseases. Identifiers: MedGen C0950123, MeSH D030342.

gnomAD v4.1: 14 of 1,613,870 alleles (0.00087%); highest among the groups gnomAD compares: Admixed American, 0.005%; no homozygotes.

Submissions (2):

PreventionGenetics, part of Exact Sciences
Classification: Uncertain significance for FHOD3-related condition. Last evaluated: 2026-06-02. Review status: criteria provided, single submitter. Criteria: ACMG Guidelines, 2015. Collection method: clinical testing. Allele origin: germline.
Comment: The FHOD3 c.4010C>T variant is predicted to result in the amino acid substitution p.Ser1337Leu. To our knowledge, this variant has not been reported in the literature. This variant is reported in 0.0058% of alleles in individuals of Latino descent in gnomAD. At this time, the clinical significance of this variant is uncertain due to the absence of conclusive functional and genetic evidence.

Ambry Genetics
Classification: Uncertain significance for Inborn genetic diseases. Last evaluated: 2024-07-09. Review status: criteria provided, single submitter. Criteria: Ambry Variant Classification Scheme 2023. Collection method: clinical testing. Allele origin: germline.